The following is an entry in ClinVar:

NM_006767.4(LZTR1):c.372_385del (p.Val125fs)

Gene: LZTR1 (leucine zipper like post translational regulator 1; plus strand). Cytogenetic location: 22q11.21.
Variant type: Deletion.
Coding change: c.372_385del on transcript NM_006767.4 (MANE Select); coding-DNA positions 372 to 385, 14 bases deleted (CGTCTATGGGAGCA).
Protein change: p.Val125fs; shifts the reading frame from valine 125.
Molecular consequence: frameshift variant.
Genome position (GRCh38, 1-based): chr22:20,987,555-20,987,568, CGTCTATGGGAGCA deleted. VCF-style (leftmost placement, unchanged base first): chr22-20987554-TCGTCTATGGGAGCA-T. GRCh37 (hg19) VCF-style: chr22-21341843-TCGTCTATGGGAGCA-T.
Other names: short protein forms V125fs.
Identifiers: ClinVar variation 917601 (VCV000917601.8), dbSNP rs1924439391, ClinGen allele CA1139666968.

ClinVar aggregate classification (germline): Pathogenic/Likely pathogenic. Review status: criteria provided, multiple submitters, no conflicts (2 of 4 stars). 2 submissions from 2 submitters: Pathogenic (1); Likely pathogenic (1). Last evaluated 2020-03-06.

Conditions:
Schwannomatosis. Identifiers: Orphanet 93921, MedGen C1335929, MeSH C536641, MONDO:0008075.

Submissions (2):

Labcorp Genetics (formerly Invitae), Labcorp
Classification: Pathogenic. Last evaluated: 2020-03-06. Review status: criteria provided, single submitter. Criteria: Invitae Variant Classification Sherloc (09022015). Collection method: clinical testing. Allele origin: germline.
Comment: For these reasons, this variant has been classified as Pathogenic. Loss-of-function variants in LZTR1 are known to be pathogenic (PMID: 24362817, 25335493, 25480913, 29469822, 30442762, 30859559). This variant has not been reported in the literature in individuals with LZTR1-related conditions. This variant is not present in population databases (ExAC no frequency). This sequence change creates a premature translational stop signal (p.Val125Hisfs*16) in the LZTR1 gene. It is expected to result in an absent or disrupted protein product.

Women's Health and Genetics/Laboratory Corporation of America, LabCorp
Classification: Likely pathogenic for Schwannomatosis. Last evaluated: 2020-01-06. Review status: criteria provided, single submitter. Criteria: LabCorp Variant Classification Summary - May 2015. Collection method: clinical testing. Allele origin: germline.
Comment: Variant summary: LZTR1 c.372_385del14 (p.Val125HisfsX16) results in a premature termination codon, predicted to cause a truncation of the encoded protein or absence of the protein due to nonsense mediated decay, which are commonly known mechanisms for disease. The variant was absent in 251242 control chromosomes (gnomAD). To our knowledge, no occurrence of c.372_385del14 in individuals affected with Schwannomatosis and no experimental evidence demonstrating an impact on protein function have been reported. No clinical diagnostic laboratories have submitted clinical-significance assessments for this variant to ClinVar after 2014. Based on the evidence outlined above, the variant was classified as likely pathogenic.

Literature cited by the submitters: PubMed 24362817 (cited by Labcorp Genetics (formerly Invitae), Labcorp); PubMed 25335493 (cited by Labcorp Genetics (formerly Invitae), Labcorp); PubMed 25480913 (cited by Labcorp Genetics (formerly Invitae), Labcorp); PubMed 29469822 (cited by Labcorp Genetics (formerly Invitae), Labcorp); PubMed 30442762 (cited by Labcorp Genetics (formerly Invitae), Labcorp); PubMed 30859559 (cited by Labcorp Genetics (formerly Invitae), Labcorp).